The following is an entry in ClinVar:

NM_000256.3(MYBPC3):c.461T>C (p.Ile154Thr)

Gene: MYBPC3 (myosin binding protein C3; minus strand). Cytogenetic location: 11p11.2.
Variant type: single nucleotide variant.
Coding change: c.461T>C on transcript NM_000256.3 (MANE Select); coding-DNA position 461, T replaced by C.
Protein change: p.Ile154Thr; replaces isoleucine 154 with threonine.
Molecular consequence: missense variant.
Genome position (GRCh38, 1-based): chr11:47,350,058, A>G on the plus strand (T>C on the coding strand, the complement: MYBPC3 is on the minus strand). VCF-style: chr11-47350058-A-G. GRCh37 (hg19) VCF-style: chr11-47371609-A-G.
Other names: p.I154T:ATT>ACT; short protein forms I154T.
Identifiers: ClinVar variation 42756 (VCV000042756.36), dbSNP rs373946195, ClinGen allele CA015161.

ClinVar aggregate classification (germline): Conflicting classifications of pathogenicity. Review status: criteria provided, conflicting classifications (1 of 4 stars). 16 submissions from 16 submitters: Uncertain significance (8); Likely benign (5). 3 of the submissions do not count toward it. Last evaluated 2026-05-19.

Conditions:
MYBPC3-related disorder. Also called: MYBPC3-related disorders; MYBPC3-related condition; MYBPC3-related disease.
Cardiovascular phenotype. Identifiers: MedGen CN230736.
Cardiomyopathy (CMYO). Also called: Cardiomyopathies. Identifiers: Orphanet 167848, MedGen C0878544, MONDO:0004994, HP:0001638. Inheritance: Various modes of inheritance.
Primary familial hypertrophic cardiomyopathy (HCM). Identifiers: Orphanet 99739, MedGen C0949658, MeSH D024741, MONDO:0024573. Inheritance: Various modes of inheritance.
Hypertrophic cardiomyopathy 4. Also called: Familial hypertrophic cardiomyopathy 4. Identifiers: MedGen C1861862, MONDO:0007268, OMIM 115197.
Hypertrophic cardiomyopathy. Also called: HYPERTROPHIC MYOCARDIOPATHY. Identifiers: Orphanet 217569, MedGen C0007194, MeSH D002312, MONDO:0005045, HP:0001639.

Allele frequency attached by ClinVar (database versions not stated): gnomAD exomes 0.00004 and 0.00007; gnomAD 0.00019 and 0.00020; ExAC 0.00020; ESP Exome Variant Server 0.00016; TOPMed 0.00021; 1000 Genomes Project 0.00100; 1000 Genomes Project 30x 0.00109.
gnomAD v4.1: 87 of 1,564,476 alleles (0.0056%); highest among the groups gnomAD compares: African/African-American, 0.068%; no homozygotes.

Submissions (16):

PreventionGenetics, part of Exact Sciences
Classification: Uncertain significance for MYBPC3-related condition. Last evaluated: 2026-05-19. Review status: criteria provided, single submitter. Criteria: ACMG Guidelines, 2015. Collection method: clinical testing. Allele origin: germline.
Comment: The MYBPC3 c.461T>C variant is predicted to result in the amino acid substitution p.Ile154Thr. This variant has been reported in individuals with hypertrophic cardiomyopathy or dilated cardiomyopathy (Morita et al. 2008. PubMed ID: 18403758; Table S2, Burstein et al. 2021. PubMed ID: 32746448). However, this variant was also documented in reference populations in multiple studies (Andreasen et al. 2013. PubMed ID: 23299917; Table S8, McGurk et al. 2023. PubMed ID: 37652022). This variant is reported in 0.077% of alleles in individuals of African descent in gnomAD. Although we suspect that this variant may be benign, at this time, the clinical significance of this variant is uncertain due to the absence of conclusive functional and genetic evidence.

Color Diagnostics, LLC DBA Color Health
Classification: Likely benign for Cardiomyopathy. Last evaluated: 2025-12-11. Review status: criteria provided, single submitter. Criteria: ACMG Guidelines, 2015. Collection method: clinical testing. Allele origin: germline.

Mayo Clinic Laboratories, Mayo Clinic
Classification: Likely benign. Last evaluated: 2025-10-13. Review status: criteria provided, single submitter. Criteria: ACMG Guidelines, 2015. Collection method: clinical testing. Allele origin: germline. Observed: 1 variant allele.
Comment: BS1, BP4

Labcorp Genetics (formerly Invitae), Labcorp
Classification: Uncertain significance for Hypertrophic cardiomyopathy. Last evaluated: 2025-01-14. Review status: criteria provided, single submitter. Criteria: Invitae Variant Classification Sherloc (09022015). Collection method: clinical testing. Allele origin: germline.
Comment: This sequence change replaces isoleucine, which is neutral and non-polar, with threonine, which is neutral and polar, at codon 154 of the MYBPC3 protein (p.Ile154Thr). This variant is present in population databases (rs373946195, gnomAD 0.08%), and has an allele count higher than expected for a pathogenic variant. This missense change has been observed in individual(s) with MYBPC3-related conditions (PMID: 18403758, 32746448, 32841044, 37652022). ClinVar contains an entry for this variant (Variation ID: 42756). An algorithm developed to predict the effect of missense changes on protein structure and function (PolyPhen-2) suggests that this variant¬†is likely to be tolerated. In summary, the available evidence is currently insufficient to determine the role of this variant in disease. Therefore, it has been classified as a Variant of Uncertain Significance.

Blueprint Genetics
Classification: Likely benign. Last evaluated: 2024-11-11. Review status: criteria provided, single submitter. Criteria: ACMG Guidelines, 2015. Collection method: clinical testing. Allele origin: germline.

All of Us Research Program, National Institutes of Health
Classification: Uncertain significance for Hypertrophic cardiomyopathy. Last evaluated: 2024-06-11. Review status: criteria provided, single submitter. Criteria: ACMG Guidelines, 2015. Collection method: clinical testing. Allele origin: germline. Inheritance: Autosomal dominant inheritance. Observed: 30 variant alleles, 30 heterozygotes.
Comment: This missense variant replaces isoleucine with threonine at codon 154 of the MYBPC3 protein. Computational prediction suggests that this variant may not impact protein structure and function (internally defined REVEL score threshold <= 0.5, PMID: 27666373). To our knowledge, functional studies have not been reported for this variant. This variant has been reported in an individual affected with hypertrophic cardiomyopathy (PMID: 32841044) and in an individual affected with dilated cardiomyopathy (PMID: 32746448). This variant has been reported in compound heterozygous state with p.Asp605del in an individual affected with early-onset familial hypertrophic cardiomyopathy (PMID: 18403758, 18761664); this individual also carried an additional pathogenic variant in the MYBPC3 gene. This variant has also been identified in 20/206608 chromosomes in the general population by the Genome Aggregation Database (gnomAD). The available evidence is insufficient to determine the role of this variant in disease conclusively. Therefore, this variant is classified as a Variant of Uncertain Significance.

This study involves interpretation of variants in research participants for the purpose of population health screening. Participant phenotype was not available at the time of variant classification. Additional details can be found in publication PMID: 35346344, PMCID: PMC8962531

Ambry Genetics
Classification: Likely benign for Cardiovascular phenotype. Last evaluated: 2023-03-01. Review status: criteria provided, single submitter. Criteria: Ambry Variant Classification Scheme 2023. Collection method: clinical testing. Allele origin: germline.

Women's Health and Genetics/Laboratory Corporation of America, LabCorp
Classification: Uncertain significance. Last evaluated: 2020-11-16. Review status: criteria provided, single submitter. Criteria: LabCorp Variant Classification Summary - May 2015. Collection method: clinical testing. Allele origin: germline.
Comment: Variant summary: MYBPC3 c.461T>C (p.Ile154Thr) results in a non-conservative amino acid change located in the Immunoglobulin-like domain of the encoded protein sequence. Three of five in-silico tools predict a benign effect of the variant on protein function. The variant allele was found at a frequency of 7.4e-05 in 175200 control chromosomes. This frequency is not significantly higher than expected for a pathogenic variant in MYBPC3 causing Cardiomyopathy (7.4e-05 vs 0.001), allowing no conclusion about variant significance. c.461T>C has been reported in the literature in one individual affected with idiopathic cardiac hypertrophy. This report does not provide unequivocal conclusions about association of the variant with Cardiomyopathy. To our knowledge, no experimental evidence demonstrating an impact on protein function has been reported. Seven clinical diagnostic laboratories have submitted clinical-significance assessments for this variant to ClinVar after 2014 without evidence for independent evaluation (VUS n=6, likely benign n=1). Based on the evidence outlined above, the variant was classified as uncertain significance.

Mendelics
Classification: Uncertain significance for Hypertrophic cardiomyopathy 4. Last evaluated: 2019-05-28. Review status: criteria provided, single submitter. Criteria: Mendelics Assertion Criteria 2017. Collection method: clinical testing. Allele origin: unknown.

Center for Advanced Laboratory Medicine, UC San Diego Health, University of California San Diego
Classification: Likely benign for Cardiomyopathy. Last evaluated: 2018-11-28. Review status: criteria provided, single submitter. Criteria: ACMG Guidelines, 2015. Collection method: clinical testing. Allele origin: germline. Affected: yes. Observed: 1 variant allele.

Stanford Center for Inherited Cardiovascular Disease, Stanford University
Classification: Uncertain significance. Last evaluated: 2016-03-01. Review status: criteria provided, single submitter. Criteria: ACMG Guidelines, 2015. Collection method: provider interpretation. Allele origin: germline.

GeneDx
Classification: Uncertain significance. Last evaluated: 2016-01-05. Review status: criteria provided, single submitter. Criteria: GeneDx Variant Classification (06012015). Collection method: clinical testing. Allele origin: germline. Affected: yes.
Comment: The I154T variant of uncertain significance in the MYBPC3 gene has been reported previously in one child diagnosed with HCM who also harbored another variant in the MYBPC3 gene, and reported I154T was absent in at least 360 ethnically-matched control alleles (Morita et al., 2008). Nevertheless, the 1000 Genomes Project reports was observed in 5/1322 alleles (0.4%) from individuals of African ancestry, indicating it may be a rare benign variant in this population. Additionally, another clinical laboratory classifies I154T as a variant of uncertain significance (Landrum et al., 2014). The I154T variant is a non-conservative amino acid substitution, which is likely to impact secondary protein structure as these residues differ in polarity, charge, size and/or other properties. This substitution occurs at a position that is conserved in mammals; however, T154 is present in several species. Furthermore, in silico analysis is inconsistent in its predictions as to whether or not the variant is damaging to the protein structure/function.Therefore, based on the currently available information, it is unclear whether this variant is pathogenic or benign.

Laboratory for Molecular Medicine, Mass General Brigham Personalized Medicine
Classification: Uncertain significance. Last evaluated: 2015-10-22. Review status: criteria provided, single submitter. Criteria: LMM Criteria. Collection method: clinical testing. Allele origin: germline. Observed: 9 variant alleles.
Comment: Variant classified as Uncertain Significance - Favor Benign. The p.Ile154Thr variant has also been identified in 0.2% (5/2428) of Afri can chromosomes by the Exome Aggregation Consortium (ExAC; dbSNP rs373946195). Isoleucine (Ile) at position 154 is not conserved in evolutionarily distant species and multiple fish species carry a threonine a t this position. Additionally, the change to threonine (Thr) was predicted to be benign using a computational tool clinically validated by our laboratory. This tool's benign prediction is estimated to be correct 89% of the time (Jordan 2011 ). In summary, while the clinical significance of the p.Ile154Thr variant is unc ertain, these data suggest that it is more likely to be benign.

CSER _CC_NCGL, University of Washington
Classification: Uncertain significance for Cardiomyopathy, hypertrophic. Last evaluated: 2014-06-01. Review status: no assertion criteria provided. Collection method: research. Allele origin: germline. Inheritance: Autosomal dominant inheritance. Study: ESP 6500 variant annotation. Not counted in ClinVar's aggregate classification.
Comment: Variants classified for the Actionable exomic incidental findings in 6503 participants: challenges of variant classification manuscript

Clinical Genetics DNA and cytogenetics Diagnostics Lab, Erasmus MC, Erasmus Medical Center
Classification: Uncertain significance. Review status: no assertion criteria provided. Collection method: clinical testing. Allele origin: germline. Affected: yes. Study: VKGL Data-share Consensus. Not counted in ClinVar's aggregate classification.

Clinical Genetics, Academic Medical Center
Classification: Uncertain significance. Review status: no assertion criteria provided. Collection method: clinical testing. Allele origin: germline. Affected: yes. Study: VKGL Data-share Consensus. Not counted in ClinVar's aggregate classification.

Literature cited by the submitters: PubMed 18403758 (cited by 6 submitters); PubMed 18761664 (cited by 3 submitters); PubMed 32746448 (cited by 3 submitters); PubMed 32841044 (cited by 3 submitters); PubMed 37652022 (cited by Mayo Clinic Laboratories, Mayo Clinic and Labcorp Genetics (formerly Invitae), Labcorp); PubMed 23299917 (cited by Ambry Genetics and Laboratory for Molecular Medicine, Mass General Brigham Personalized Medicine); PubMed 25637381 (cited by Ambry Genetics and Laboratory for Molecular Medicine, Mass General Brigham Personalized Medicine); PubMed 28518168 (cited by Ambry Genetics and Women's Health and Genetics/Laboratory Corporation of America, LabCorp).